The following is an entry in ClinVar:

NM_015102.5(NPHP4):c.2952G>A (p.Thr984=)

Gene: NPHP4 (nephrocystin 4; minus strand). Cytogenetic location: 1p36.31.
Variant type: single nucleotide variant.
Coding change: c.2952G>A on transcript NM_015102.5 (MANE Select); coding-DNA position 2952, G replaced by A.
Protein change: p.Thr984=; no amino-acid change (threonine 984 retained).
Molecular consequence: synonymous variant. On other transcripts: non-coding transcript variant (1).
Genome position (GRCh38, 1-based): chr1:5,874,966, C>T on the plus strand (G>A on the coding strand, the complement: NPHP4 is on the minus strand). VCF-style: chr1-5874966-C-T. GRCh37 (hg19) VCF-style: chr1-5935026-C-T.
Other names: p.Thr984=; c.1413G>A, p.Thr471= (NM_001291593.2); c.1416G>A, p.Thr472= (NM_001291594.2).
Identifiers: ClinVar variation 594595 (VCV000594595.21), dbSNP rs375493384, ClinGen allele CA553861.

ClinVar aggregate classification (germline): Conflicting classifications of pathogenicity. Review status: criteria provided, conflicting classifications (1 of 4 stars). 7 submissions from 7 submitters: Uncertain significance (1); Likely benign (3). 3 of the submissions do not count toward it. Last evaluated 2025-11-10.

Conditions:
NPHP4-related disorder. Also called: NPHP4-related disorders; NPHP4-related condition. Identifiers: MedGen CN239384.
Nephronophthisis. Also called: Juvenile Nephronophthisis. Identifiers: Orphanet 655, MedGen C0687120, MONDO:0019005, HP:0000090.

Allele frequency attached by ClinVar (database versions not stated): gnomAD 0.00008 and 0.00010; TOPMed 0.00009; ESP Exome Variant Server 0.00023.
gnomAD v4.1: 174 of 1,613,156 alleles (0.011%); highest among the groups gnomAD compares: Non-Finnish European, 0.012%; no homozygotes.

Submissions (7):

Labcorp Genetics (formerly Invitae), Labcorp
Classification: Likely benign for Nephronophthisis. Last evaluated: 2025-11-10. Review status: criteria provided, single submitter. Criteria: Invitae Variant Classification Sherloc (09022015). Collection method: clinical testing. Allele origin: germline.

Mayo Clinic Laboratories, Mayo Clinic
Classification: Likely benign. Last evaluated: 2025-10-02. Review status: criteria provided, single submitter. Criteria: ACMG Guidelines, 2015. Collection method: clinical testing. Allele origin: germline. Observed: 1 variant allele.
Comment: BP4, BP7

Blueprint Genetics
Classification: Likely benign. Last evaluated: 2023-06-07. Review status: criteria provided, single submitter. Criteria: ACMG Guidelines, 2015. Collection method: clinical testing. Allele origin: germline.

Eurofins Ntd Llc (ga)
Classification: Uncertain significance. Last evaluated: 2017-10-25. Review status: criteria provided, single submitter. Criteria: EGL Classification Definitions 2015. Collection method: clinical testing. Allele origin: germline. Observed: 1 variant allele, 1 heterozygote.

PreventionGenetics, part of Exact Sciences
Classification: Likely benign for NPHP4-related condition. Last evaluated: 2023-05-04. Review status: no assertion criteria provided. Collection method: clinical testing. Allele origin: germline. Not counted in ClinVar's aggregate classification.
Comment: This variant is classified as likely benign based on ACMG/AMP sequence variant interpretation guidelines (Richards et al. 2015 PMID: 25741868, with internal and published modifications).

Clinical Genetics DNA and cytogenetics Diagnostics Lab, Erasmus MC, Erasmus Medical Center
Classification: Likely benign. Review status: no assertion criteria provided. Collection method: clinical testing. Allele origin: germline. Affected: yes. Study: VKGL Data-share Consensus. Not counted in ClinVar's aggregate classification.

Clinical Genetics, Academic Medical Center
Classification: Benign. Review status: no assertion criteria provided. Collection method: clinical testing. Allele origin: germline. Affected: yes. Study: VKGL Data-share Consensus. Not counted in ClinVar's aggregate classification.